The following is an entry in ClinVar:

ClinVar aggregate classification (germline): Uncertain significance. Review status: criteria provided, multiple submitters, no conflicts (2 of 4 stars). 3 submissions from 3 submitters: Uncertain significance (3). Last evaluated 2025-08-06.

Conditions:
Arterial tortuosity syndrome (ATORS). Identifiers: Orphanet 3342, MedGen C1859726, MONDO:0008818, OMIM 208050.
Familial thoracic aortic aneurysm and aortic dissection (TAAD). Also called: Thoracic aortic aneurysms and dissections. Identifiers: Orphanet 91387, MedGen C4707243, MONDO:0019625.

Allele frequency attached by ClinVar (database versions not stated): gnomAD exomes 0.00001; ExAC 0.00002; gnomAD 0.00003 and 0.00004; TOPMed 0.00003; ESP Exome Variant Server 0.00008.

Submissions (3):

Ambry Genetics
Classification: Uncertain significance for Familial thoracic aortic aneurysm and aortic dissection. Last evaluated: 2025-08-06. Review status: criteria provided, single submitter. Criteria: Ambry Variant Classification Scheme 2023. Collection method: clinical testing. Allele origin: germline.
Comment: The p.A224G variant (also known as c.671C>G), located in coding exon 2 of the SLC2A10 gene, results from a C to G substitution at nucleotide position 671. The alanine at codon 224 is replaced by glycine, an amino acid with similar properties. This variant has been detected in the heterozygous state in an individual reported to have aortic dilation/dissection (Wooderchak-Donahue W et al. Am J Med Genet A, 2015 Aug;167A:1747-57). This amino acid position is not well conserved in available vertebrate species. In addition, this alteration is predicted to be tolerated by in silico analysis. Since supporting evidence is limited at this time, the clinical significance of this alteration remains unclear.

Labcorp Genetics (formerly Invitae), Labcorp
Classification: Uncertain significance for Arterial tortuosity syndrome. Last evaluated: 2022-05-24. Review status: criteria provided, single submitter. Criteria: Invitae Variant Classification Sherloc (09022015). Collection method: clinical testing. Allele origin: germline.
Comment: This sequence change replaces alanine, which is neutral and non-polar, with glycine, which is neutral and non-polar, at codon 224 of the SLC2A10 protein (p.Ala224Gly). This variant is present in population databases (rs371261694, gnomAD 0.008%). This missense change has been observed in individual(s) with aortic dilation or dissection (PMID: 25944730). ClinVar contains an entry for this variant (Variation ID: 567815). Advanced modeling of protein sequence and biophysical properties (such as structural, functional, and spatial information, amino acid conservation, physicochemical variation, residue mobility, and thermodynamic stability) performed at Invitae indicates that this missense variant is not expected to disrupt SLC2A10 protein function. In summary, the available evidence is currently insufficient to determine the role of this variant in disease. Therefore, it has been classified as a Variant of Uncertain Significance.

Fulgent Genetics
Classification: Uncertain significance for Arterial tortuosity syndrome. Last evaluated: 2021-10-29. Review status: criteria provided, single submitter. Criteria: ACMG Guidelines, 2015. Collection method: clinical testing. Allele origin: unknown.

Literature cited by the submitters: PubMed 25944730 (cited by Ambry Genetics and Labcorp Genetics (formerly Invitae), Labcorp).

NM_030777.4(SLC2A10):c.671C>G (p.Ala224Gly)

Gene: SLC2A10 (solute carrier family 2 member 10; plus strand). Cytogenetic location: 20q13.12.
Variant type: single nucleotide variant.
Coding change: c.671C>G on transcript NM_030777.4 (MANE Select); coding-DNA position 671, C replaced by G.
Protein change: p.Ala224Gly; replaces alanine 224 with glycine.
Molecular consequence: missense variant.
Genome position (GRCh38, 1-based): chr20:46,725,707, C>G. VCF-style: chr20-46725707-C-G. GRCh37 (hg19) VCF-style: chr20-45354346-C-G.
Other names: short protein forms A224G.
Identifiers: ClinVar variation 567815 (VCV000567815.7), dbSNP rs371261694, ClinGen allele CA9892020.